The following is an entry in ClinVar:

ClinVar aggregate classification (germline): Uncertain significance (1 of 4 stars; one submission).

Conditions:
Catecholaminergic polymorphic ventricular tachycardia 1. Also called: VENTRICULAR TACHYCARDIA, CATECHOLAMINERGIC POLYMORPHIC, 1, WITH OR WITHOUT ATRIAL DYSFUNCTION AND/OR DILATED CARDIOMYOPATHY; VENTRICULAR TACHYCARDIA, STRESS-INDUCED POLYMORPHIC 1; RYR2-Related Catecholaminergic Polymorphic Ventricular Tachycardia. Identifiers: Orphanet 3286, MedGen C1631597, MONDO:0011484, OMIM 604772.

Submission:

Labcorp Genetics (formerly Invitae), Labcorp
Classification: Uncertain significance for Catecholaminergic polymorphic ventricular tachycardia 1. Last evaluated: 2018-04-23. Review status: criteria provided, single submitter. Criteria: Invitae Variant Classification Sherloc (09022015). Collection method: clinical testing. Allele origin: germline.
Comment: In summary, the available evidence is currently insufficient to determine the role of this variant in disease. Therefore, it has been classified as a Variant of Uncertain Significance. Algorithms developed to predict the effect of missense changes on protein structure and function do not agree on the potential impact of this missense change (SIFT: "Deleterious"; PolyPhen-2: "Probably Damaging"; Align-GVGD: "Class C0"). This variant has not been reported in the literature in individuals with TRDN-related disease. This variant is not present in population databases (ExAC no frequency). This sequence change replaces glutamine with histidine at codon 266 of the TRDN protein (p.Gln266His). The glutamine residue is moderately conserved and there is a small physicochemical difference between glutamine and histidine.

NM_006073.4(TRDN):c.798G>C (p.Gln266His)

Gene: TRDN (triadin; minus strand). Cytogenetic location: 6q22.31.
Variant type: single nucleotide variant.
Coding change: c.798G>C on transcript NM_006073.4 (MANE Select); coding-DNA position 798, G replaced by C.
Protein change: p.Gln266His; replaces glutamine 266 with histidine.
Molecular consequence: missense variant. On other transcripts: intron variant (1).
Genome position (GRCh38, 1-based): chr6:123,497,248, C>G on the plus strand (G>C on the coding strand, the complement: TRDN is on the minus strand). VCF-style: chr6-123497248-C-G. GRCh37 (hg19) VCF-style: chr6-123818393-C-G.
Other names: c.798G>C, p.Gln266His (NM_001251987.2); c.793+6471G>C (NM_001256020.2); short protein forms Q266H.
Identifiers: ClinVar variation 580626 (VCV000580626.9), dbSNP rs1562347184, ClinGen allele CA365567361.